The following is an entry in ClinVar:

ClinVar aggregate classification (germline): Uncertain significance (1 of 4 stars; one submission).

gnomAD v4.1: 1 of 1,613,266 alleles (0.000062%); highest among the groups gnomAD compares: Non-Finnish European, 0.000085%; no homozygotes.

Submission:

Labcorp Genetics (formerly Invitae), Labcorp
Classification: Uncertain significance. Last evaluated: 2025-10-08. Review status: criteria provided, single submitter. Criteria: Invitae Variant Classification Sherloc (09022015). Collection method: clinical testing. Allele origin: germline.
Comment: This sequence change replaces glutamine, which is neutral and polar, with histidine, which is basic and polar, at codon 1245 of the DSCAML1 protein (p.Gln1245His). This variant is not present in population databases (gnomAD no frequency). This variant has not been reported in the literature in individuals affected with DSCAML1-related conditions. An algorithm developed to predict the effect of missense changes on protein structure and function (PolyPhen-2) suggests that this variant is likely to be disruptive. In summary, the available evidence is currently insufficient to determine the role of this variant in disease. Therefore, it has been classified as a Variant of Uncertain Significance.

NM_020693.4(DSCAML1):c.3555G>T (p.Gln1185His)

Gene: DSCAML1 (DS cell adhesion molecule like 1; minus strand). Cytogenetic location: 11q23.3.
Variant type: single nucleotide variant.
Coding change: c.3555G>T on transcript NM_020693.4 (MANE Select); coding-DNA position 3555, G replaced by T.
Protein change: p.Gln1185His; replaces glutamine 1185 with histidine.
Molecular consequence: missense variant.
Genome position (GRCh38, 1-based): chr11:117,458,767, C>A on the plus strand (G>T on the coding strand, the complement: DSCAML1 is on the minus strand). VCF-style: chr11-117458767-C-A. GRCh37 (hg19) VCF-style: chr11-117329483-C-A.
Other names: short protein forms Q1185H.
Identifiers: ClinVar variation 4767338 (VCV004767338.1).